The following is an entry in ClinVar:

NM_006206.6(PDGFRA):c.1364A>G (p.Lys455Arg)

Gene: PDGFRA (platelet derived growth factor receptor alpha; plus strand). Cytogenetic location: 4q12.
Variant type: single nucleotide variant.
Coding change: c.1364A>G on transcript NM_006206.6 (MANE Select); coding-DNA position 1364, A replaced by G.
Protein change: p.Lys455Arg; replaces lysine 455 with arginine.
Molecular consequence: missense variant.
Genome position (GRCh38, 1-based): chr4:54,272,520, A>G. VCF-style: chr4-54272520-A-G. GRCh37 (hg19) VCF-style: chr4-55138687-A-G.
Other names: c.1364A>G, p.Lys455Arg (NM_001347827.2, NM_001347829.2); c.1439A>G, p.Lys480Arg (NM_001347828.2); c.1403A>G, p.Lys468Arg (NM_001347830.2); short protein forms K455R, K468R, K480R.
Identifiers: ClinVar variation 528579 (VCV000528579.9), dbSNP rs1553904049, ClinGen allele CA356892400.

ClinVar aggregate classification (germline): Uncertain significance (1 of 4 stars; one submission).

Conditions:
Gastrointestinal stromal tumor. Also called: Gastrointestinal stroma tumor; Gastrointestinal stromal tumor, somatic. Identifiers: Orphanet 44890, MedGen C0238198, MeSH D046152, MONDO:0011719, OMIM 606764, HP:0100723.

Submission:

Labcorp Genetics (formerly Invitae), Labcorp
Classification: Uncertain significance for Gastrointestinal stromal tumor. Last evaluated: 2017-12-05. Review status: criteria provided, single submitter. Criteria: Invitae Variant Classification Sherloc (09022015). Collection method: clinical testing. Allele origin: germline.
Comment: This variant has not been reported in the literature in individuals with PDGFRA-related disease. Algorithms developed to predict the effect of missense changes on protein structure and function output the following: SIFT: "Tolerated"; PolyPhen-2: "Benign"; Align-GVGD: "Class C0". The arginine amino acid residue is found in multiple mammalian species, suggesting that this missense change does not adversely affect protein function. These predictions have not been confirmed by published functional studies and their clinical significance is uncertain. Algorithms developed to predict the effect of sequence changes on RNA splicing suggest that this variant may create or strengthen a splice site, but this prediction has not been confirmed by published transcriptional studies. In summary, the available evidence is currently insufficient to determine the role of this variant in disease. Therefore, it has been classified as a Variant of Uncertain Significance. This variant is not present in population databases (ExAC no frequency). This sequence change replaces lysine with arginine at codon 455 of the PDGFRA protein (p.Lys455Arg). The lysine residue is moderately conserved and there is a small physicochemical difference between lysine and arginine.